The following is an entry in ClinVar:

NM_014875.3(KIF14):c.1912T>A (p.Ser638Thr)

Gene: KIF14 (kinesin family member 14; minus strand). Cytogenetic location: 1q32.1.
Variant type: single nucleotide variant.
Coding change: c.1912T>A on transcript NM_014875.3 (MANE Select); coding-DNA position 1912, T replaced by A.
Protein change: p.Ser638Thr; replaces serine 638 with threonine.
Molecular consequence: missense variant.
Genome position (GRCh38, 1-based): chr1:200,603,293, A>T on the plus strand (T>A on the coding strand, the complement: KIF14 is on the minus strand). VCF-style: chr1-200603293-A-T. GRCh37 (hg19) VCF-style: chr1-200572421-A-T.
Other names: c.439T>A, p.Ser147Thr (NM_001305792.1); short protein forms S638T, S147T.
Identifiers: ClinVar variation 423659 (VCV000423659.2), dbSNP rs757007287, ClinGen allele CA1317671.

ClinVar aggregate classification (germline): Uncertain significance (1 of 4 stars; one submission).

Allele frequency attached by ClinVar (database versions not stated): TOPMed 0.00001; gnomAD exomes below 0.00001 and 0.00001; ExAC 0.00001; gnomAD 0.00001.
gnomAD v4.1: 12 of 1,610,190 alleles (0.00075%); highest among the groups gnomAD compares: Non-Finnish European, 0.00093%; no homozygotes.

Submission:

GeneDx
Classification: Uncertain significance. Last evaluated: 2017-02-28. Review status: criteria provided, single submitter. Criteria: GeneDx Variant Classification (06012015). Collection method: clinical testing. Allele origin: germline. Affected: yes.
Comment: The S638T variant in the KIF14 gene has not been reported previously as a pathogenic variant, nor as a benign variant, to our knowledge. The S638T variant is not observed at a significant frequency in large population cohorts (Lek et al., 2016; 1000 Genomes Consortium et al., 2015; Exome Variant Server). The S638T variant is a conservative amino acid substitution, which is not likely to impact secondary protein structure as these residues share similar properties. This substitution occurs at a position that is conserved across species. In silico analysis predicts this variant is probably damaging to the protein structure/function. We interpret S638T as a variant of uncertain significance.